The following is an entry in ClinVar:

NM_002617.4(PEX10):c.685G>C (p.Val229Leu)

Gene: PEX10 (peroxisomal biogenesis factor 10; minus strand). Cytogenetic location: 1p36.32.
Variant type: single nucleotide variant.
Coding change: c.685G>C on transcript NM_002617.4 (MANE Select); coding-DNA position 685, G replaced by C.
Protein change: p.Val229Leu; replaces valine 229 with leucine.
Molecular consequence: missense variant. On other transcripts: non-coding transcript variant (1).
Genome position (GRCh38, 1-based): chr1:2,406,811, C>G on the plus strand (G>C on the coding strand, the complement: PEX10 is on the minus strand). VCF-style: chr1-2406811-C-G. GRCh37 (hg19) VCF-style: chr1-2338250-C-G.
Other names: p.Val249Leu; c.742G>C, p.Val248Leu (NM_001374425.1); c.310G>C, p.Val104Leu (NM_001374426.1); c.253G>C, p.Val85Leu (NM_001374427.1); c.745G>C, p.Val249Leu (NM_153818.2); short protein forms V249L, V229L, V104L, V248L, V85L.
Identifiers: ClinVar variation 296277 (VCV000296277.20), dbSNP rs139345520, ClinGen allele CA538071.

ClinVar aggregate classification (germline): Benign/Likely benign. Review status: criteria provided, multiple submitters, no conflicts (2 of 4 stars). 7 submissions from 7 submitters: Benign (3); Likely benign (3). 1 of the submissions does not count toward it. Last evaluated 2026-02-02.

Conditions:
Peroxisome biogenesis disorder, complementation group 7 (CG7). Also called: Peroxisome biogenesis disorder, complementation group B. Identifiers: MedGen C1864399.
Peroxisome biogenesis disorder 6A (Zellweger). Also called: Peroxisome biogenesis disorder 6A. Identifiers: Orphanet 912, MedGen C3553947, MONDO:0013936, OMIM 614870.
Zellweger spectrum disorders (ZS). Also called: Zellweger syndrome; Zellweger Spectrum Disorder; Zellweger Spectrum; Zellweger Spectrum Disorder (ZSD). Identifiers: Orphanet 912, MedGen C0043459, MONDO:0019609.

Allele frequency attached by ClinVar (database versions not stated): gnomAD exomes 0.00058 and 0.00155; ExAC 0.00206; ESP Exome Variant Server 0.00624; gnomAD 0.00629 and 0.00686; 1000 Genomes Project 0.00659; TOPMed 0.00700; 1000 Genomes Project 30x 0.00765.
gnomAD v4.1: 1,831 of 1,610,988 alleles (0.11%); highest among the groups gnomAD compares: African/African-American, 2.2%; 15 homozygotes.

Submissions (7):

Labcorp Genetics (formerly Invitae), Labcorp
Classification: Benign for Peroxisome biogenesis disorder, complementation group 7. Last evaluated: 2026-02-02. Review status: criteria provided, single submitter. Criteria: Invitae Variant Classification Sherloc (09022015). Collection method: clinical testing. Allele origin: germline.

Blueprint Genetics
Classification: Likely benign. Last evaluated: 2024-09-16. Review status: criteria provided, single submitter. Criteria: ACMG Guidelines, 2015. Collection method: clinical testing. Allele origin: germline.

Mayo Clinic Laboratories, Mayo Clinic
Classification: Benign. Last evaluated: 2023-03-06. Review status: criteria provided, single submitter. Criteria: ACMG Guidelines, 2015. Collection method: clinical testing. Allele origin: germline. Observed: 4 variant alleles.
Comment: BA1

Illumina Laboratory Services, Illumina
Classification: Benign for Peroxisome biogenesis disorder 6A (Zellweger). Last evaluated: 2018-01-13. Review status: criteria provided, single submitter. Criteria: ICSL Variant Classification Criteria 13 December 2019. Collection method: clinical testing. Allele origin: germline.
Comment: This variant was observed in the ICSL laboratory as part of a predisposition screen in an ostensibly healthy population. It had not been previously curated by ICSL or reported in the Human Gene Mutation Database (HGMD: prior to June 1st, 2018), and was therefore a candidate for classification through an automated scoring system. Utilizing variant allele frequency, disease prevalence and penetrance estimates, and inheritance mode, an automated score was calculated to assess if this variant is too frequent to cause the disease. Based on the score and internal cut-off values, a variant classified as benign is not then subjected to further curation. The score for this variant resulted in a classification of benign for this disease.

Center for Pediatric Genomic Medicine, Children's Mercy Hospital and Clinics
Classification: Likely benign. Last evaluated: 2017-01-05. Review status: criteria provided, single submitter. Criteria: ACMG Guidelines, 2015. Collection method: clinical testing. Allele origin: germline.
ClinVar note: Converted during submission from Likely Benign to Likely benign.

Breakthrough Genomics
Classification: Likely benign. Review status: criteria provided, single submitter. Criteria: ACMG Guidelines, 2015. Collection method: not provided. Allele origin: germline. Inheritance: Autosomal recessive inheritance. Affected: yes.

Natera, Inc.
Classification: Benign for Zellweger syndrome. Last evaluated: 2019-10-18. Review status: no assertion criteria provided. Collection method: clinical testing. Allele origin: germline. Not counted in ClinVar's aggregate classification.